The following is an entry in ClinVar:

NM_001293298.2(CEMIP):c.582C>T (p.Ile194=)

Gene: CEMIP (cell migration inducing hyaluronidase 1; plus strand). Cytogenetic location: 15q25.1.
Variant type: single nucleotide variant.
Coding change: c.582C>T on transcript NM_001293298.2 (MANE Select); coding-DNA position 582, C replaced by T.
Protein change: p.Ile194=; no amino-acid change (isoleucine 194 retained).
Molecular consequence: synonymous variant.
Genome position (GRCh38, 1-based): chr15:80,881,101, C>T. VCF-style: chr15-80881101-C-T. GRCh37 (hg19) VCF-style: chr15-81173442-C-T.
Other names: c.582C>T, p.Ile194= (NM_001293304.2, NM_018689.3).
Identifiers: ClinVar variation 3058816 (VCV003058816.2), dbSNP rs146635298, ClinGen allele CA7692682.

ClinVar aggregate classification (germline): Likely benign (0 of 4 stars; one submission).

Conditions:
CEMIP-related disorder. Also called: CEMIP-related condition.

Allele frequency attached by ClinVar (database versions not stated): gnomAD exomes 0.00006; ExAC 0.00018; gnomAD 0.00066; ESP Exome Variant Server 0.00077; 1000 Genomes Project 30x 0.00094; 1000 Genomes Project 0.00100; TOPMed 0.00100.
gnomAD v4.1: 195 of 1,614,150 alleles (0.012%); highest among the groups gnomAD compares: African/African-American, 0.14%; no homozygotes.

Submission:

PreventionGenetics, part of Exact Sciences
Classification: Likely benign for CEMIP-related condition. Last evaluated: 2019-04-04. Review status: no assertion criteria provided. Collection method: clinical testing. Allele origin: germline.
Comment: This variant is classified as likely benign based on ACMG/AMP sequence variant interpretation guidelines (Richards et al. 2015 PMID: 25741868, with internal and published modifications).